The following is an entry in ClinVar:

NM_004415.4(DSP):c.375C>G (p.Ile125Met)

Gene: DSP (desmoplakin; plus strand). Cytogenetic location: 6p24.3.
Variant type: single nucleotide variant.
Coding change: c.375C>G on transcript NM_004415.4 (MANE Select); coding-DNA position 375, C replaced by G.
Protein change: p.Ile125Met; replaces isoleucine 125 with methionine.
Molecular consequence: missense variant.
Genome position (GRCh38, 1-based): chr6:7,558,217, C>G. VCF-style: chr6-7558217-C-G. GRCh37 (hg19) VCF-style: chr6-7558450-C-G.
Other names: c.375C>G, p.Ile125Met (NM_001008844.3, NM_001319034.2, NM_001406591.1); short protein forms I125M.
Identifiers: ClinVar variation 1734636 (VCV001734636.4), dbSNP rs1190802459, ClinGen allele CA362671323.

ClinVar aggregate classification (germline): Uncertain significance. Review status: criteria provided, multiple submitters, no conflicts (2 of 4 stars). 2 submissions from 2 submitters: Uncertain significance (2). Last evaluated 2025-09-29.

Conditions:
Cardiovascular phenotype. Identifiers: MedGen CN230736.
Cardiomyopathy (CMYO). Also called: Cardiomyopathies. Identifiers: Orphanet 167848, MedGen C0878544, MONDO:0004994, HP:0001638. Inheritance: Various modes of inheritance.

Allele frequency attached by ClinVar (database versions not stated): TOPMed 0.00001.
gnomAD v4.1: 1 of 1,614,180 alleles (0.000062%); highest among the groups gnomAD compares: African/African-American, 0.0013%; no homozygotes.

Submissions (2):

Color Diagnostics, LLC DBA Color Health
Classification: Uncertain significance for Cardiomyopathy. Last evaluated: 2025-09-29. Review status: criteria provided, single submitter. Criteria: ACMG Guidelines, 2015. Collection method: clinical testing. Allele origin: germline.
Comment: This missense variant replaces isoleucine with methionine at codon 125 of the DSP protein. Computational prediction suggests that this variant may not impact protein structure and function. To our knowledge, functional studies have not been reported for this variant. This variant has not been reported in individuals affected with DSP-related disorders in the literature. This variant has been identified in 1/1461888 chromosomes in the general population by the Genome Aggregation Database (gnomAD). The available evidence is insufficient to determine the role of this variant in disease conclusively. Therefore, this variant is classified as a Variant of Uncertain Significance.

Ambry Genetics
Classification: Uncertain significance for Cardiovascular phenotype. Last evaluated: 2023-08-31. Review status: criteria provided, single submitter. Criteria: Ambry Variant Classification Scheme 2023. Collection method: clinical testing. Allele origin: germline.
Comment: The p.I125M variant (also known as c.375C>G), located in coding exon 3 of the DSP gene, results from a C to G substitution at nucleotide position 375. The isoleucine at codon 125 is replaced by methionine, an amino acid with highly similar properties. This amino acid position is highly conserved in available vertebrate species. In addition, this alteration is predicted to be tolerated by in silico analysis. Since supporting evidence is limited at this time, the clinical significance of this alteration remains unclear.